The following is an entry in ClinVar:

ClinVar aggregate classification (germline): Uncertain significance (1 of 4 stars; one submission).

Allele frequency attached by ClinVar (database versions not stated): TOPMed below 0.00001.
gnomAD v4.1: 1 of 1,613,616 alleles (0.000062%); highest among the groups gnomAD compares: Admixed American, 0.0017%; no homozygotes.

Submission:

Labcorp Genetics (formerly Invitae), Labcorp
Classification: Uncertain significance. Last evaluated: 2025-01-13. Review status: criteria provided, single submitter. Criteria: Invitae Variant Classification Sherloc (09022015). Collection method: clinical testing. Allele origin: germline.
Comment: This sequence change replaces methionine, which is neutral and non-polar, with arginine, which is basic and polar, at codon 908 of the COL18A1 protein (p.Met908Arg). This variant is present in population databases (no rsID available, gnomAD 0.0009%). This variant has not been reported in the literature in individuals affected with COL18A1-related conditions. ClinVar contains an entry for this variant (Variation ID: 1898425). Experimental studies and prediction algorithms are not available or were not evaluated, and the functional significance of this variant is currently unknown. In summary, the available evidence is currently insufficient to determine the role of this variant in disease. Therefore, it has been classified as a Variant of Uncertain Significance.

NM_001379500.1(COL18A1):c.2723T>G (p.Met908Arg)

Genes: COL18A1 (collagen type XVIII alpha 1 chain; plus strand), SLC19A1 (solute carrier family 19 member 1; minus strand). Cytogenetic location: 21q22.3.
Variant type: single nucleotide variant.
Coding change: c.2723T>G on transcript NM_001379500.1 (MANE Select); coding-DNA position 2723, T replaced by G.
Protein change: p.Met908Arg; replaces methionine 908 with arginine.
Molecular consequence: missense variant.
Genome position (GRCh38, 1-based): chr21:45,504,050, T>G. VCF-style: chr21-45504050-T-G. GRCh37 (hg19) VCF-style: chr21-46923964-T-G.
Other names: c.3263T>G, p.Met1088Arg (NM_030582.4); c.3968T>G, p.Met1323Arg (NM_130444.3); short protein forms M908R, M1088R, M1323R.
Identifiers: ClinVar variation 1898425 (VCV001898425.4), dbSNP rs1299153610, ClinGen allele CA410499068.